The following is an entry in ClinVar:

NM_213599.3(ANO5):c.2520+6C>T

Gene: ANO5 (anoctamin 5; plus strand). Cytogenetic location: 11p14.3.
Variant type: single nucleotide variant.
Coding change: c.2520+6C>T on transcript NM_213599.3 (MANE Select); 6 bases into the intron after coding-DNA position 2520, C replaced by T.
Molecular consequence: intron variant.
Genome position (GRCh38, 1-based): chr11:22,276,205, C>T. VCF-style: chr11-22276205-C-T. GRCh37 (hg19) VCF-style: chr11-22297751-C-T.
Other names: c.2517+6C>T (NM_001142649.2).
Identifiers: ClinVar variation 282315 (VCV000282315.12), dbSNP rs886042378, ClinGen allele CA10604145.

ClinVar aggregate classification (germline): Uncertain significance. Review status: criteria provided, multiple submitters, no conflicts (2 of 4 stars). 2 submissions from 2 submitters: Uncertain significance (2). Last evaluated 2021-08-06.

Conditions:
Gnathodiaphyseal dysplasia (GDD). Also called: GNATHODIAPHYSEAL SCLEROSIS; OSTEOGENESIS IMPERFECTA WITH UNUSUAL SKELETAL LESIONS. Identifiers: Orphanet 53697, MedGen C1833736, MONDO:0008151, OMIM 166260.
Autosomal recessive limb-girdle muscular dystrophy type 2L (LGMDR12). Also called: Limb-girdle muscular dystrophy, type 2L; Limb-Girdle Muscular Dystrophy R12 Anoctamin-5-Related (LGMD-R12); MUSCULAR DYSTROPHY, LIMB-GIRDLE, AUTOSOMAL RECESSIVE 12. Identifiers: Orphanet 206549, MedGen C1969785, MONDO:0012652, OMIM 611307.

Allele frequency attached by ClinVar (database versions not stated): gnomAD exomes below 0.00001 and 0.00001.
gnomAD v4.1: 2 of 1,590,724 alleles (0.00013%); highest among the groups gnomAD compares: Admixed American, 0.0033%; no homozygotes.

Submissions (2):

Labcorp Genetics (formerly Invitae), Labcorp
Classification: Uncertain significance for Autosomal recessive limb-girdle muscular dystrophy type 2L; Gnathodiaphyseal dysplasia. Last evaluated: 2021-08-06. Review status: criteria provided, single submitter. Criteria: Invitae Variant Classification Sherloc (09022015). Collection method: clinical testing. Allele origin: germline.
Comment: In summary, this is a novel intronic change with uncertain impact on splicing. Therefore, it has been classified as a Variant of Uncertain Significance. Algorithms developed to predict the effect of sequence changes on RNA splicing suggest that this variant is not likely to affect RNA splicing, but this prediction has not been confirmed by published transcriptional studies. This variant is not present in population databases (ExAC no frequency) and has not been reported in the literature in individuals with a ANO5-related disease. This sequence change falls in intron 21 of the ANO5 gene. It does not directly change the encoded amino acid sequence of the ANO5 protein.

Eurofins Ntd Llc (ga)
Classification: Uncertain significance. Last evaluated: 2016-09-17. Review status: criteria provided, single submitter. Criteria: EGL Classification Definitions 2015. Collection method: clinical testing. Allele origin: germline. Observed: 2 variant alleles, 2 heterozygotes.